The following is an entry in ClinVar:

ClinVar aggregate classification (germline): Conflicting classifications of pathogenicity. Review status: criteria provided, conflicting classifications (1 of 4 stars). 5 submissions from 5 submitters: Uncertain significance (4); Likely benign (1). Last evaluated 2026-07-01.

Allele frequency attached by ClinVar (database versions not stated): ExAC 0.00009; gnomAD exomes 0.00009; ESP Exome Variant Server 0.00010; gnomAD 0.00016 and 0.00017; TOPMed 0.00016; 1000 Genomes Project 0.00020; 1000 Genomes Project 30x 0.00031.
gnomAD v4.1: 307 of 1,612,424 alleles (0.019%); highest among the groups gnomAD compares: African/African-American, 0.031%; no homozygotes.

Submissions (5):

CeGaT Center for Human Genetics Tuebingen
Classification: Likely benign. Last evaluated: 2026-07-01. Review status: criteria provided, single submitter. Criteria: CeGaT Center For Human Genetics Tuebingen Variant Classification Criteria Version 2. Collection method: clinical testing. Allele origin: germline. Affected: yes. Observed: 1 variant allele.
Comment: KARS1: BP4

Blueprint Genetics
Classification: Uncertain significance. Last evaluated: 2024-10-25. Review status: criteria provided, single submitter. Criteria: ACMG Guidelines, 2015. Collection method: clinical testing. Allele origin: germline.

ARUP Laboratories, Molecular Genetics and Genomics, ARUP Laboratories
Classification: Uncertain significance. Last evaluated: 2023-10-03. Review status: criteria provided, single submitter. Criteria: ARUP Molecular Germline Variant Investigation Process 2024. Collection method: clinical testing. Allele origin: germline.
Comment: The KARS c.43C>T; p.Arg15Cys variant (rs371452227), to our knowledge, is not reported in the medical literature but is reported in ClinVar (Variation ID: 320640). This variant is found in the general population with an overall allele frequency of 0.0087% (24/277430 alleles) in the Genome Aggregation Database. The arginine at codon 15 is moderately conserved, and computational analyses (SIFT: damaging, PolyPhen-2: benign) predict conflicting effects of this variant on protein structure/function. Due to limited information, the clinical significance of the p.Arg15Cys variant is uncertain at this time.

Labcorp Genetics (formerly Invitae), Labcorp
Classification: Uncertain significance. Last evaluated: 2022-06-05. Review status: criteria provided, single submitter. Criteria: Invitae Variant Classification Sherloc (09022015). Collection method: clinical testing. Allele origin: germline.
Comment: This sequence change replaces arginine, which is basic and polar, with cysteine, which is neutral and slightly polar, at codon 15 of the KARS protein (p.Arg15Cys). This variant is present in population databases (rs371452227, gnomAD 0.03%). This variant has not been reported in the literature in individuals affected with KARS-related conditions. ClinVar contains an entry for this variant (Variation ID: 320640). Algorithms developed to predict the effect of missense changes on protein structure and function output the following: SIFT: "Tolerated"; PolyPhen-2: "Benign"; Align-GVGD: "Class C0". The cysteine amino acid residue is found in multiple mammalian species, which suggests that this missense change does not adversely affect protein function. In summary, the available evidence is currently insufficient to determine the role of this variant in disease. Therefore, it has been classified as a Variant of Uncertain Significance.

Ambry Genetics
Classification: Uncertain significance. Last evaluated: 2021-09-30. Review status: criteria provided, single submitter. Criteria: Ambry Variant Classification Scheme 2023. Collection method: clinical testing. Allele origin: germline.

NM_005548.3(KARS1):c.63-2663C>T

Gene: KARS1 (lysyl-tRNA synthetase 1; minus strand). Cytogenetic location: 16q23.1.
Variant type: single nucleotide variant.
Coding change: c.63-2663C>T on transcript NM_005548.3 (MANE Select); 2663 bases into the intron before coding-DNA position 63, C replaced by T.
Molecular consequence: intron variant. On other transcripts: missense variant (1).
Genome position (GRCh38, 1-based): chr16:75,644,386, G>A on the plus strand (C>T on the coding strand, the complement: KARS1 is on the minus strand). VCF-style: chr16-75644386-G-A. GRCh37 (hg19) VCF-style: chr16-75678284-G-A.
Other names: c.43C>T, p.Arg15Cys (NM_001130089.2); c.-406-2663C>T (NM_001378148.1); short protein forms R15C.
Identifiers: ClinVar variation 320640 (VCV000320640.15), dbSNP rs371452227, ClinGen allele CA8177811.
Genomic context (GRCh38, chr16:75,644,386, plus strand): 5'-AAGGAGCAAGTTGACCCAGTCGCAGTTCCCTGTGACCCCACTCTGCCCAGGAGGTTTTGC[G>A]CAGGGACCCCCTAACAAGCCTTACAGCAGCTTGCGTCAACATGGCAGAGCACCCTGGAAC-3'